The following is an entry in ClinVar:

NM_206933.4(USH2A):c.13414G>A (p.Gly4472Ser)

Gene: USH2A (usherin; minus strand). Cytogenetic location: 1q41.
Variant type: single nucleotide variant.
Coding change: c.13414G>A on transcript NM_206933.4 (MANE Select); coding-DNA position 13414, G replaced by A.
Protein change: p.Gly4472Ser; replaces glycine 4472 with serine.
Molecular consequence: missense variant.
Genome position (GRCh38, 1-based): chr1:215,674,497, C>T on the plus strand (G>A on the coding strand, the complement: USH2A is on the minus strand). VCF-style: chr1-215674497-C-T. GRCh37 (hg19) VCF-style: chr1-215847839-C-T.
Other names: short protein forms G4472S.
Identifiers: ClinVar variation 867103 (VCV000867103.7), dbSNP rs1657932443, ClinGen allele CA344845335.

ClinVar aggregate classification (germline): Uncertain significance. Review status: criteria provided, multiple submitters, no conflicts (2 of 4 stars). 6 submissions from 5 submitters: Uncertain significance (6). Last evaluated 2024-03-12.

Conditions:
Usher syndrome type 2A. Also called: RETINAL DISEASE IN USHER SYNDROME TYPE IIA, MODIFIER OF; USHER SYNDROME, TYPE IIA. Identifiers: Orphanet 231178, Orphanet 886, MedGen C1848634, MONDO:0010169, OMIM 276901.
Retinitis pigmentosa 39 (RP39). Identifiers: Orphanet 791, MedGen C3151138, MONDO:0013436, OMIM 613809.

Submissions (6):

GeneDx
Classification: Uncertain significance. Last evaluated: 2024-03-12. Review status: criteria provided, single submitter. Criteria: GeneDx Variant Classification Process June 2021. Collection method: clinical testing. Allele origin: germline. Affected: yes.
Comment: Has not been previously published as pathogenic or benign to our knowledge; Not observed at significant frequency in large population cohorts (gnomAD); In silico analysis supports that this missense variant has a deleterious effect on protein structure/function; This variant is associated with the following publications: (PMID: 34906470)

Genome-Nilou Lab
Classification: Uncertain significance for Retinitis pigmentosa 39. Last evaluated: 2023-11-04. Review status: criteria provided, single submitter. Criteria: ACMG Guidelines, 2015. Collection method: clinical testing. Allele origin: germline. Affected: no.

Genome-Nilou Lab
Classification: Uncertain significance for Usher syndrome type 2A. Last evaluated: 2023-11-04. Review status: criteria provided, single submitter. Criteria: ACMG Guidelines, 2015. Collection method: clinical testing. Allele origin: germline. Affected: no.

Labcorp Genetics (formerly Invitae), Labcorp
Classification: Uncertain significance. Last evaluated: 2022-08-15. Review status: criteria provided, single submitter. Criteria: Invitae Variant Classification Sherloc (09022015). Collection method: clinical testing. Allele origin: germline.
Comment: This sequence change replaces glycine, which is neutral and non-polar, with serine, which is neutral and polar, at codon 4472 of the USH2A protein (p.Gly4472Ser). This variant is not present in population databases (gnomAD no frequency). This variant has not been reported in the literature in individuals affected with USH2A-related conditions. ClinVar contains an entry for this variant (Variation ID: 867103). Algorithms developed to predict the effect of missense changes on protein structure and function (SIFT, PolyPhen-2, Align-GVGD) all suggest that this variant is likely to be disruptive. In summary, the available evidence is currently insufficient to determine the role of this variant in disease. Therefore, it has been classified as a Variant of Uncertain Significance.

Ocular Genomics Institute, Massachusetts Eye and Ear
Classification: Uncertain significance for Retinitis pigmentosa 39. Last evaluated: 2021-04-08. Review status: criteria provided, single submitter. Criteria: ACMG Guidelines, 2015. Collection method: research. Allele origin: germline. Affected: yes.
Comment: Through a review of available evidence we were able to apply the following criteria: PM2. Based on this evidence we have classified this variant as Variant of Uncertain Significance.

Blueprint Genetics
Classification: Uncertain significance. Last evaluated: 2019-02-23. Review status: criteria provided, single submitter. Criteria: ACMG Guidelines, 2015. Collection method: clinical testing. Allele origin: germline.